The following is an entry in ClinVar:

NM_000213.5(ITGB4):c.107del (p.Lys36fs)

Gene: ITGB4 (integrin subunit beta 4; plus strand). Cytogenetic location: 17q25.1.
Variant type: Deletion.
Coding change: c.107del on transcript NM_000213.5 (MANE Select); coding-DNA position 107, one base deleted (A; older notation c.107delA).
Protein change: p.Lys36fs; shifts the reading frame from lysine 36.
Molecular consequence: frameshift variant.
Genome position (GRCh38, 1-based): chr17:75,727,222, A deleted; the last of 2 consecutive A bases (chr17:75,727,221-75,727,222); deleting either gives the same sequence. VCF-style (leftmost placement, unchanged base first): chr17-75727220-GA-G. GRCh37 (hg19) VCF-style: chr17-73723300-GA-G.
Other names: c.107delA, p.Lys36Argfs (NM_001005619.2); c.107del, p.Lys36fs (NM_001005731.3, NM_001321123.2); short protein forms K36fs.
Identifiers: ClinVar variation 2977102 (VCV002977102.3), dbSNP rs2060737432, ClinGen allele CA2275653590.

ClinVar aggregate classification (germline): Pathogenic (1 of 4 stars; one submission).

Submission:

Labcorp Genetics (formerly Invitae), Labcorp
Classification: Pathogenic. Last evaluated: 2024-02-04. Review status: criteria provided, single submitter. Criteria: Invitae Variant Classification Sherloc (09022015). Collection method: clinical testing. Allele origin: germline.
Comment: This sequence change creates a premature translational stop signal (p.Lys36Argfs*125) in the ITGB4 gene. It is expected to result in an absent or disrupted protein product. Loss-of-function variants in ITGB4 are known to be pathogenic (PMID: 11328943, 16473856). This variant is not present in population databases (gnomAD no frequency). This variant has not been reported in the literature in individuals affected with ITGB4-related conditions. For these reasons, this variant has been classified as Pathogenic.

Literature cited by the submitters: PubMed 11328943; PubMed 16473856.